The following is an entry in ClinVar:

NM_006231.4(POLE):c.5269_5283del (p.Ser1757_Ile1761del)

Gene: POLE (DNA polymerase epsilon, catalytic subunit; minus strand). Cytogenetic location: 12q24.33.
Variant type: Deletion.
Coding change: c.5269_5283del on transcript NM_006231.4 (MANE Select); coding-DNA positions 5269 to 5283, 15 bases deleted (AGCTTCGACGTGATC).
Protein change: p.Ser1757_Ile1761del.
Molecular consequence: inframe deletion.
Genome position (GRCh38, 1-based): chr12:132,641,742-132,641,756, GATCACGTCGAAGCT deleted on the plus strand (AGCTTCGACGTGATC on the coding strand, the reverse complement: POLE is on the minus strand); deleting any 15 consecutive bases within chr12:132,641,742-132,641,760 gives the same sequence; the c. name uses the placement nearest the transcript's 3' end. VCF-style (leftmost placement, unchanged base first): chr12-132641741-GGATCACGTCGAAGCT-G. GRCh37 (hg19) VCF-style: chr12-133218327-GGATCACGTCGAAGCT-G.
Identifiers: ClinVar variation 825597 (VCV000825597.4), dbSNP rs1593727801, ClinGen allele CA915946809.

ClinVar aggregate classification (germline): Uncertain significance (1 of 4 stars; one submission).

Conditions:
Hereditary cancer-predisposing syndrome. Also called: Neoplastic Syndromes, Hereditary; Tumor predisposition; Hereditary neoplastic syndrome; Hereditary Cancer Syndrome. Identifiers: Orphanet 140162, MedGen C0027672, MeSH D009386, MONDO:0015356.

Submission:

Ambry Genetics
Classification: Uncertain significance for Hereditary cancer-predisposing syndrome. Last evaluated: 2019-02-26. Review status: criteria provided, single submitter. Criteria: Ambry Variant Classification Scheme 2023. Collection method: clinical testing. Allele origin: germline.
Comment: The c.5269_5283del15 variant (also known as p.S1757_I1761del) is located in coding exon 39 of the POLE gene. This variant results from an in-frame AGCTTCGACGTGATC deletion at nucleotide positions 5269 to 5283. This results in the deletion of 5 amino acids between codons 1757 and 1761. This amino acid region is highly conserved in available vertebrate species. Since supporting evidence is limited at this time, the clinical significance of this alteration remains unclear.